The following is an entry in ClinVar:

NM_182914.3(SYNE2):c.3408G>T (p.Arg1136Ser)

Gene: SYNE2 (spectrin repeat containing nuclear envelope protein 2; plus strand). Cytogenetic location: 14q23.2.
Variant type: single nucleotide variant.
Coding change: c.3408G>T on transcript NM_182914.3 (MANE Select); coding-DNA position 3408, G replaced by T.
Protein change: p.Arg1136Ser; replaces arginine 1136 with serine.
Molecular consequence: missense variant.
Genome position (GRCh38, 1-based): chr14:63,998,968, G>T. VCF-style: chr14-63998968-G-T. GRCh37 (hg19) VCF-style: chr14-64465686-G-T.
Other names: c.3408G>T, p.Arg1136Ser (NM_015180.6); short protein forms R1136S.
Identifiers: ClinVar variation 283167 (VCV000283167.12), dbSNP rs762347655, ClinGen allele CA7219957.
Genomic context (GRCh38, chr14:63,998,968, plus strand): 5'-GCCCAGGTATGATACATACAGAGATATTCTTGAACACCACCTGCAAAACAACAAATTCAG[G>T]ATTACTTCTGATTTCTCTAGTGAAGAGGACAGGAGTAGTTCTTGTCTGCAGGCTAAACTG-3'
Protein context (NP_878918.2, residues 1126-1146): LEHHLQNNKF[Arg1136Ser]ITSDFSSEED

ClinVar aggregate classification (germline): Uncertain significance. Review status: criteria provided, multiple submitters, no conflicts (2 of 4 stars). 3 submissions from 3 submitters: Uncertain significance (3). Last evaluated 2025-09-28.

Conditions:
Emery-Dreifuss muscular dystrophy 5, autosomal dominant (EDMD5). Also called: EMERY-DREIFUSS MUSCULAR DYSTROPHY 5. Identifiers: Orphanet 261, MedGen C2751805, MONDO:0013072, OMIM 612999.

Allele frequency attached by ClinVar (database versions not stated): gnomAD 0.00003 and 0.00004; gnomAD exomes 0.00003 and 0.00004; ExAC 0.00004; TOPMed 0.00004.
gnomAD v4.1: 60 of 1,613,814 alleles (0.0037%); highest among the groups gnomAD compares: Admixed American, 0.022%; no homozygotes.

Submissions (3):

Labcorp Genetics (formerly Invitae), Labcorp
Classification: Uncertain significance for Emery-Dreifuss muscular dystrophy 5, autosomal dominant. Last evaluated: 2025-09-28. Review status: criteria provided, single submitter. Criteria: Invitae Variant Classification Sherloc (09022015). Collection method: clinical testing. Allele origin: germline.
Comment: This sequence change replaces arginine, which is basic and polar, with serine, which is neutral and polar, at codon 1136 of the SYNE2 protein (p.Arg1136Ser). This variant is present in population databases (rs762347655, gnomAD 0.02%). This variant has not been reported in the literature in individuals affected with SYNE2-related conditions. ClinVar contains an entry for this variant (Variation ID: 283167). An algorithm developed to predict the effect of missense changes on protein structure and function (PolyPhen-2) suggests that this variant is likely to be tolerated. In summary, the available evidence is currently insufficient to determine the role of this variant in disease. Therefore, it has been classified as a Variant of Uncertain Significance.

Ambry Genetics
Classification: Uncertain significance. Last evaluated: 2024-12-23. Review status: criteria provided, single submitter. Criteria: Ambry Variant Classification Scheme 2023. Collection method: clinical testing. Allele origin: germline.

Eurofins Ntd Llc (ga)
Classification: Uncertain significance. Last evaluated: 2015-09-17. Review status: criteria provided, single submitter. Criteria: EGL Classification Definitions 2015. Collection method: clinical testing. Allele origin: germline. Observed: 1 variant allele, 1 heterozygote.